The following is an entry in ClinVar:

ClinVar aggregate classification (germline): Likely benign (1 of 4 stars; one submission).

Allele frequency attached by ClinVar (database versions not stated): gnomAD exomes below 0.00001; TOPMed below 0.00001.
gnomAD v4.1: 2 of 1,609,098 alleles (0.00012%); highest among the groups gnomAD compares: Non-Finnish European, 0.00017%; no homozygotes.

Submission:

CeGaT Center for Human Genetics Tuebingen
Classification: Likely benign. Last evaluated: 2023-03-01. Review status: criteria provided, single submitter. Criteria: CeGaT Center For Human Genetics Tuebingen Variant Classification Criteria Version 2. Collection method: clinical testing. Allele origin: germline. Affected: yes. Observed: 1 variant allele.
Comment: PLPBP: BP4, BP7

NM_007198.4(PLPBP):c.285C>T (p.Gly95=)

Gene: PLPBP (pyridoxal phosphate binding protein; plus strand). Cytogenetic location: 8p11.23.
Variant type: single nucleotide variant.
Coding change: c.285C>T on transcript NM_007198.4 (MANE Select); coding-DNA position 285, C replaced by T.
Protein change: p.Gly95=; no amino-acid change (glycine 95 retained).
Molecular consequence: synonymous variant.
Genome position (GRCh38, 1-based): chr8:37,766,321, C>T. VCF-style: chr8-37766321-C-T. GRCh37 (hg19) VCF-style: chr8-37623839-C-T.
Other names: c.285C>T, p.Gly95= (NM_001349346.2); c.279C>T, p.Gly93= (NM_001349347.2); c.129C>T, p.Gly43= (NM_001349348.2); c.390C>T, p.Gly130= (NM_001349349.1).
Identifiers: ClinVar variation 2658536 (VCV002658536.24), dbSNP rs1197479044, ClinGen allele CA460359054.